The following is an entry in ClinVar:

ClinVar aggregate classification (germline): Pathogenic (1 of 4 stars; one submission).

Conditions:
Cardiovascular phenotype. Identifiers: MedGen CN230736.
Hereditary cancer-predisposing syndrome. Also called: Neoplastic Syndromes, Hereditary; Tumor predisposition; Hereditary Cancer Syndrome; Hereditary neoplastic syndrome. Identifiers: Orphanet 140162, MedGen C0027672, MeSH D009386, MONDO:0015356.

Submission:

Ambry Genetics
Classification: Pathogenic for Cardiovascular phenotype; Hereditary cancer-predisposing syndrome. Last evaluated: 2026-05-26. Review status: criteria provided, single submitter. Criteria: Ambry Variant Classification Scheme 2023. Collection method: clinical testing. Allele origin: germline.
Comment: The c.4337_4338delTT pathogenic mutation, located in coding exon 32 of the NF1 gene, results from a deletion of two nucleotides at nucleotide positions 4337 to 4338, causing a translational frameshift with a predicted alternate stop codon (p.F1446Cfs*6). This variant is considered to be rare based on population cohorts in the Genome Aggregation Database (gnomAD). This alteration is expected to result in loss of function by premature protein truncation or nonsense-mediated mRNA decay. As such, this alteration is interpreted as a disease-causing mutation.

NM_001042492.3(NF1):c.4400_4401del (p.Phe1467fs)

Gene: NF1 (neurofibromin 1; plus strand). Cytogenetic location: 17q11.2.
Variant type: Deletion.
Coding change: c.4400_4401del on transcript NM_001042492.3 (MANE Select); coding-DNA positions 4400 to 4401, 2 bases deleted (TT; older notation c.4400_4401delTT).
Protein change: p.Phe1467fs; shifts the reading frame from phenylalanine 1467.
Molecular consequence: frameshift variant.
Genome position (GRCh38, 1-based): chr17:31,259,099-31,259,100, TT deleted; deleting any 2 consecutive bases within chr17:31,259,097-31,259,100 gives the same sequence; the c. name uses the placement nearest the transcript's 3' end. VCF-style (leftmost placement, unchanged base first): chr17-31259096-ATT-A. GRCh37 (hg19) VCF-style: chr17-29586114-ATT-A.
Other names: c.4337_4338del, p.Phe1446fs (NM_000267.4); short protein forms F1446fs, F1467fs.
Identifiers: ClinVar variation 4860974 (VCV004860974.1).